The following is an entry in ClinVar:

NM_021147.5(CCNO):c.808C>A (p.Leu270Met)

Gene: CCNO (cyclin O; minus strand). Cytogenetic location: 5q11.2.
Variant type: single nucleotide variant.
Coding change: c.808C>A on transcript NM_021147.5 (MANE Select); coding-DNA position 808, C replaced by A.
Protein change: p.Leu270Met; replaces leucine 270 with methionine.
Molecular consequence: missense variant. On other transcripts: non-coding transcript variant (3).
Genome position (GRCh38, 1-based): chr5:55,231,620, G>T on the plus strand (C>A on the coding strand, the complement: CCNO is on the minus strand). VCF-style: chr5-55231620-G-T. GRCh37 (hg19) VCF-style: chr5-54527448-G-T.
Other names: c.808C>A (NM_021147.3); short protein forms L270M.
Identifiers: ClinVar variation 950777 (VCV000950777.9), dbSNP rs748700550, ClinGen allele CA3266676.

ClinVar aggregate classification (germline): Uncertain significance. Review status: criteria provided, multiple submitters, no conflicts (2 of 4 stars). 2 submissions from 2 submitters: Uncertain significance (2). Last evaluated 2025-12-21.

Conditions:
Primary ciliary dyskinesia. Also called: Ciliary dyskinesia. Identifiers: Orphanet 244, MedGen C0008780, MONDO:0016575, HP:0012265.
Inborn genetic diseases. Identifiers: MedGen C0950123, MeSH D030342.

Allele frequency attached by ClinVar (database versions not stated): gnomAD 0.00001.
gnomAD v4.1: 15 of 1,610,222 alleles (0.00093%); highest among the groups gnomAD compares: Non-Finnish European, 0.0012%; no homozygotes.

Submissions (2):

Labcorp Genetics (formerly Invitae), Labcorp
Classification: Uncertain significance for Primary ciliary dyskinesia. Last evaluated: 2025-12-21. Review status: criteria provided, single submitter. Criteria: Invitae Variant Classification Sherloc (09022015). Collection method: clinical testing. Allele origin: germline.
Comment: This sequence change replaces leucine, which is neutral and non-polar, with methionine, which is neutral and non-polar, at codon 270 of the CCNO protein (p.Leu270Met). This variant is present in population databases (rs748700550, gnomAD 0.005%). This variant has not been reported in the literature in individuals affected with CCNO-related conditions. ClinVar contains an entry for this variant (Variation ID: 950777). Invitae Evidence Modeling of protein sequence and biophysical properties (such as structural, functional, and spatial information, amino acid conservation, physicochemical variation, residue mobility, and thermodynamic stability) indicates that this missense variant is not expected to disrupt CCNO protein function with a negative predictive value of 80%. In summary, the available evidence is currently insufficient to determine the role of this variant in disease. Therefore, it has been classified as a Variant of Uncertain Significance.

Ambry Genetics
Classification: Uncertain significance for Inborn genetic diseases. Last evaluated: 2025-08-29. Review status: criteria provided, single submitter. Criteria: Ambry Variant Classification Scheme 2023. Collection method: clinical testing. Allele origin: germline.